The following is an entry in ClinVar:

NM_000287.4(PEX6):c.135G>A (p.Glu45=)

Gene: PEX6 (peroxisomal biogenesis factor 6; minus strand). Cytogenetic location: 6p21.1.
Variant type: single nucleotide variant.
Coding change: c.135G>A on transcript NM_000287.4 (MANE Select); coding-DNA position 135, G replaced by A.
Protein change: p.Glu45=; no amino-acid change (glutamic acid 45 retained).
Molecular consequence: synonymous variant. On other transcripts: non-coding transcript variant (1).
Genome position (GRCh38, 1-based): chr6:42,979,016, C>T on the plus strand (G>A on the coding strand, the complement: PEX6 is on the minus strand). VCF-style: chr6-42979016-C-T. GRCh37 (hg19) VCF-style: chr6-42946754-C-T.
Other names: c.135G>A (NM_000287.3); c.135G>A, p.Glu45= (NM_001316313.2).
Identifiers: ClinVar variation 1138139 (VCV001138139.11), dbSNP rs2150240712, ClinGen allele CA450366944.

ClinVar aggregate classification (germline): Likely benign. Review status: criteria provided, single submitter (1 of 4 stars). 2 submissions from 2 submitters: Likely benign (1). 1 of the submissions does not count toward it. Last evaluated 2024-02-27.

Conditions:
Peroxisome biogenesis disorder. Identifiers: Orphanet 79189, MedGen C1832200, MONDO:0019234. Disease mechanism: loss of function.
PEX6-related disorder. Also called: PEX6-related disorders; PEX6-related condition.

gnomAD v4.1: 2 of 1,521,016 alleles (0.00013%); highest among the groups gnomAD compares: Middle Eastern, 0.023%; no homozygotes.

Submissions (2):

Labcorp Genetics (formerly Invitae), Labcorp
Classification: Likely benign for Peroxisome biogenesis disorder. Last evaluated: 2024-02-27. Review status: criteria provided, single submitter. Criteria: Invitae Variant Classification Sherloc (09022015). Collection method: clinical testing. Allele origin: germline.

PreventionGenetics, part of Exact Sciences
Classification: Likely benign for PEX6-related condition. Last evaluated: 2020-09-30. Review status: no assertion criteria provided. Collection method: clinical testing. Allele origin: germline. Not counted in ClinVar's aggregate classification.
Comment: This variant is classified as likely benign based on ACMG/AMP sequence variant interpretation guidelines (Richards et al. 2015 PMID: 25741868, with internal and published modifications).